The following is an entry in ClinVar:

NM_020831.6(MRTFA):c.2200C>G (p.Pro734Ala)

Gene: MRTFA (myocardin related transcription factor A; minus strand). Cytogenetic location: 22q13.1.
Variant type: single nucleotide variant.
Coding change: c.2200C>G on transcript NM_020831.6 (MANE Select); coding-DNA position 2200, C replaced by G.
Protein change: p.Pro734Ala; replaces proline 734 with alanine.
Molecular consequence: missense variant.
Genome position (GRCh38, 1-based): chr22:40,418,538, G>C on the plus strand (C>G on the coding strand, the complement: MRTFA is on the minus strand). VCF-style: chr22-40418538-G-C. GRCh37 (hg19) VCF-style: chr22-40814542-G-C.
Other names: c.1900C>G, p.Pro634Ala (NM_001282660.2); c.2050C>G, p.Pro684Ala (NM_001282661.3); c.2200C>G, p.Pro734Ala (NM_001282662.3); c.2005C>G, p.Pro669Ala (NM_001318139.2); short protein forms P684A, P669A, P734A, P634A.
Identifiers: ClinVar variation 2797335 (VCV002797335.3), dbSNP rs115175354, ClinGen allele CA411657846.

ClinVar aggregate classification (germline): Uncertain significance (1 of 4 stars; one submission).

gnomAD v4.1: 13 of 1,584,576 alleles (0.00082%); highest among the groups gnomAD compares: Non-Finnish European, 0.0011%; no homozygotes.

Submission:

Labcorp Genetics (formerly Invitae), Labcorp
Classification: Uncertain significance. Last evaluated: 2024-09-11. Review status: criteria provided, single submitter. Criteria: Invitae Variant Classification Sherloc (09022015). Collection method: clinical testing. Allele origin: germline.
Comment: This sequence change replaces proline, which is neutral and non-polar, with alanine, which is neutral and non-polar, at codon 634 of the MKL1 protein (p.Pro634Ala). This variant is not present in population databases (gnomAD no frequency). This variant has not been reported in the literature in individuals affected with MKL1-related conditions. An algorithm developed to predict the effect of missense changes on protein structure and function (PolyPhen-2) suggests that this variant is likely to be tolerated. In summary, the available evidence is currently insufficient to determine the role of this variant in disease. Therefore, it has been classified as a Variant of Uncertain Significance.